The following is an entry in ClinVar:

NM_014853.3(SGSM2):c.99G>A (p.Val33=)

Gene: SGSM2 (small G protein signaling modulator 2; plus strand). Cytogenetic location: 17p13.3.
Variant type: single nucleotide variant.
Coding change: c.99G>A on transcript NM_014853.3 (MANE Select); coding-DNA position 99, G replaced by A.
Protein change: p.Val33=; no amino-acid change (valine 33 retained).
Molecular consequence: synonymous variant.
Genome position (GRCh38, 1-based): chr17:2,343,586, G>A. VCF-style: chr17-2343586-G-A. GRCh37 (hg19) VCF-style: chr17-2246880-G-A.
Other names: c.99G>A, p.Val33= (NM_001098509.2, NM_001346700.2).
Identifiers: ClinVar variation 4822248 (VCV004822248.4).

ClinVar aggregate classification (germline): Likely benign (1 of 4 stars; one submission).

gnomAD v4.1: 1 of 1,614,218 alleles (0.000062%); highest among the groups gnomAD compares: Non-Finnish European, 0.000085%; no homozygotes.

Submission:

CeGaT Center for Human Genetics Tuebingen
Classification: Likely benign. Last evaluated: 2026-02-01. Review status: criteria provided, single submitter. Criteria: CeGaT Center For Human Genetics Tuebingen Variant Classification Criteria Version 2. Collection method: clinical testing. Allele origin: germline. Affected: yes. Observed: 1 variant allele.
Comment: SGSM2: BP4, BP7